The following is an entry in ClinVar:

NM_000138.5(FBN1):c.5878G>C (p.Glu1960Gln)

Gene: FBN1 (fibrillin 1; minus strand). Cytogenetic location: 15q21.1.
Variant type: single nucleotide variant.
Coding change: c.5878G>C on transcript NM_000138.5 (MANE Select); coding-DNA position 5878, G replaced by C.
Protein change: p.Glu1960Gln; replaces glutamic acid 1960 with glutamine.
Molecular consequence: missense variant.
Genome position (GRCh38, 1-based): chr15:48,445,415, C>G on the plus strand (G>C on the coding strand, the complement: FBN1 is on the minus strand). VCF-style: chr15-48445415-C-G. GRCh37 (hg19) VCF-style: chr15-48737612-C-G.
Other names: c.5878G>C, p.Glu1960Gln (NM_001406716.1); short protein forms E1960Q.
Identifiers: ClinVar variation 3906469 (VCV003906469.1).

ClinVar aggregate classification (germline): Uncertain significance (1 of 4 stars; one submission).

Submission:

GeneDx
Classification: Uncertain significance. Last evaluated: 2024-12-17. Review status: criteria provided, single submitter. Criteria: GeneDx Variant Classification Process June 2021. Collection method: clinical testing. Allele origin: germline. Affected: yes.
Comment: Not observed at significant frequency in large population cohorts (gnomAD); In silico analysis indicates that this missense variant does not alter protein structure/function; Has not been previously published as pathogenic or benign to our knowledge; Does not affect a cysteine or calcium-binding residue within an EGF-like domain or a TGF-binding protein domain of the FBN1 gene; cysteine substitutions in the EGF-like domains represent the majority of pathogenic missense changes associated with FBN1-related disorders (PMID: 12938084); This variant is associated with the following publications: (PMID: 12938084)